The following is an entry in ClinVar:

ClinVar aggregate classification (germline): Uncertain significance. Review status: criteria provided, multiple submitters, no conflicts (2 of 4 stars). 2 submissions from 2 submitters: Uncertain significance (2). Last evaluated 2024-10-03.

Allele frequency attached by ClinVar (database versions not stated): gnomAD 0.00001; gnomAD exomes 0.00002 and 0.00004; TOPMed 0.00002; ExAC 0.00004.
gnomAD v4.1: 55 of 1,598,204 alleles (0.0034%); highest among the groups gnomAD compares: Non-Finnish European, 0.0045%; no homozygotes.

Submissions (2):

Blueprint Genetics
Classification: Uncertain significance. Last evaluated: 2024-10-03. Review status: criteria provided, single submitter. Criteria: ACMG Guidelines, 2015. Collection method: clinical testing. Allele origin: germline.

Labcorp Genetics (formerly Invitae), Labcorp
Classification: Uncertain significance. Last evaluated: 2023-06-20. Review status: criteria provided, single submitter. Criteria: Invitae Variant Classification Sherloc (09022015). Collection method: clinical testing. Allele origin: germline.
Comment: In summary, the available evidence is currently insufficient to determine the role of this variant in disease. Therefore, it has been classified as a Variant of Uncertain Significance. An algorithm developed to predict the effect of missense changes on protein structure and function (PolyPhen-2) suggests that this variant is likely to be disruptive. ClinVar contains an entry for this variant (Variation ID: 854602). This variant has not been reported in the literature in individuals affected with RIMS1-related conditions. This variant is present in population databases (rs746442447, gnomAD 0.005%). This sequence change replaces alanine, which is neutral and non-polar, with threonine, which is neutral and polar, at codon 1436 of the RIMS1 protein (p.Ala1436Thr).

NM_014989.7(RIMS1):c.4306G>A (p.Ala1436Thr)

Gene: RIMS1 (regulating synaptic membrane exocytosis 1; plus strand). Cytogenetic location: 6q13.
Variant type: single nucleotide variant.
Coding change: c.4306G>A on transcript NM_014989.7 (MANE Select); coding-DNA position 4306, G replaced by A.
Protein change: p.Ala1436Thr; replaces alanine 1436 with threonine.
Molecular consequence: missense variant. On other transcripts: intron variant (24).
Genome position (GRCh38, 1-based): chr6:72,333,775, G>A. VCF-style: chr6-72333775-G-A. GRCh37 (hg19) VCF-style: chr6-73043478-G-A.
Other names: c.2266G>A, p.Ala756Thr (NM_001168407.2); c.2227G>A, p.Ala743Thr (NM_001350414.2); c.2323G>A, p.Ala775Thr (NM_001350415.2); c.2272G>A, p.Ala758Thr (NM_001350416.2); c.2245G>A, p.Ala749Thr (NM_001350418.2); c.2380G>A, p.Ala794Thr (NM_001350420.2); c.2125G>A, p.Ala709Thr (NM_001350421.2); c.2014G>A, p.Ala672Thr (NM_001350423.2); and 53 more; short protein forms A600T, A651T, A653T, A666T, A676T, A705T, A710T, A716T.
Identifiers: ClinVar variation 854602 (VCV000854602.10), dbSNP rs746442447, ClinGen allele CA3886481.
Genomic context (GRCh38, chr6:72,333,775, plus strand): 5'-TCAGACACAGCTGTGGGTACAGTTGGAGCAGGTGGAAAGAAACGGAGATCCAGCCTTAGT[G>A]CCAAAGTGGTTGCCATAGTGTCTCGAAGGAGTAGAAGCACATCCCAGCTTAGTCAAACAG-3'
Protein context (NP_055804.2, residues 1426-1446): GGKKRRSSLS[Ala1436Thr]KVVAIVSRRS